The following is an entry in ClinVar:

NM_007118.4(TRIO):c.1678G>T (p.Val560Phe)

Gene: TRIO (trio Rho guanine nucleotide exchange factor; plus strand). Cytogenetic location: 5p15.2.
Variant type: single nucleotide variant.
Coding change: c.1678G>T on transcript NM_007118.4 (MANE Select); coding-DNA position 1678, G replaced by T.
Protein change: p.Val560Phe; replaces valine 560 with phenylalanine.
Molecular consequence: missense variant. On other transcripts: non-coding transcript variant (1).
Genome position (GRCh38, 1-based): chr5:14,316,690, G>T. VCF-style: chr5-14316690-G-T. GRCh37 (hg19) VCF-style: chr5-14316799-G-T.
Other names: short protein forms V560F.
Identifiers: ClinVar variation 4976574 (VCV004976574.1).

ClinVar aggregate classification (germline): Uncertain significance (1 of 4 stars; one submission).

gnomAD v4.1: 1 of 1,614,200 alleles (0.000062%); highest among the groups gnomAD compares: Middle Eastern, 0.017%; no homozygotes.

Submission:

GeneDx
Classification: Uncertain significance. Last evaluated: 2026-02-13. Review status: criteria provided, single submitter. Criteria: GeneDx Variant Classification Process June 2021. Collection method: clinical testing. Allele origin: germline.
Comment: Not observed at significant frequency in large population cohorts (gnomAD); In silico analysis supports that this missense variant has a deleterious effect on protein structure/function; Has not been previously published as pathogenic or benign to our knowledge